The following is an entry in ClinVar:

ClinVar aggregate classification (germline): Uncertain significance (1 of 4 stars; one submission).

Submission:

GeneDx
Classification: Uncertain significance. Last evaluated: 2026-03-30. Review status: criteria provided, single submitter. Criteria: GeneDx Variant Classification Process June 2021. Collection method: clinical testing. Allele origin: germline.
Comment: Not observed at significant frequency in large population cohorts (gnomAD); Frameshift variant predicted to result in abnormal protein length as the last 64 amino acids are replaced with 108 different amino acids; Has not been previously published as pathogenic or benign to our knowledge

NM_001194.4(HCN2):c.2453_2475dup (p.Ser826fs)

Gene: HCN2 (hyperpolarization activated cyclic nucleotide gated potassium and sodium channel 2; plus strand). Cytogenetic location: 19p13.3.
Variant type: Duplication.
Coding change: c.2453_2475dup on transcript NM_001194.4 (MANE Select); coding-DNA positions 2453 to 2475, 23 bases duplicated (GCCCACTGTCCGCCTCGCAGCCC).
Protein change: p.Ser826fs; shifts the reading frame from serine 826.
Molecular consequence: frameshift variant.
Genome position (GRCh38, 1-based): chr19:616,257-616,279, GCCCACTGTCCGCCTCGCAGCCC duplicated; duplicating any 23 consecutive bases within chr19:616,256-616,279 gives the same sequence; the c. name uses the placement nearest the transcript's 3' end. VCF-style (leftmost placement, unchanged base first): chr19-616255-G-GCGCCCACTGTCCGCCTCGCAGCC. GRCh37 (hg19) VCF-style: chr19-616255-G-GCGCCCACTGTCCGCCTCGCAGCC.
Other names: short protein forms S826fs.
Identifiers: ClinVar variation 5017319 (VCV005017319.1).
Genomic context (GRCh38, chr19:616,255, plus strand): 5'-CCTGCCCGCCGCCCCCCTTGCTGGGCCCGCCCTGCCCGCGCGCCGCCTGAGCCGCGCGTC[G>GCGCCCACTGTCCGCCTCGCAGCC]CGCCCACTGTCCGCCTCGCAGCCCTCGCTGCCTCACGGCGCCCCCGGCCCCGCGGCCTCC-3'